The following is an entry in ClinVar:

ClinVar aggregate classification (germline): Conflicting classifications of pathogenicity. Review status: criteria provided, conflicting classifications (1 of 4 stars). 5 submissions from 4 submitters: Uncertain significance (1); Likely benign (4). Last evaluated 2025-10-01.

Conditions:
EAST syndrome (SESAMES). Also called: SEIZURES, SENSORINEURAL DEAFNESS, ATAXIA, IMPAIRED INTELLECTUAL DEVELOPMENT, AND ELECTROLYTE IMBALANCE. Identifiers: Orphanet 199343, MedGen C2748572, MONDO:0013005, OMIM 612780.
Autosomal recessive nonsyndromic hearing loss 4 (DFNB4). Also called: Enlarged vestibular aqueduct, digenic; FOXI1-Related Pendred Syndrome; KCNJ10-Related Pendred Syndrome; NEUROSENSORY NONSYNDROMIC RECESSIVE DEAFNESS 4; DEAFNESS, AUTOSOMAL RECESSIVE 4, WITH ENLARGED VESTIBULAR AQUEDUCT, DIGENIC; Nonsyndromic enlarged vestibular aqueduct (NSEVA). Identifiers: Orphanet 90636, MedGen C3538946, MONDO:0010933, OMIM 600791.
Inborn genetic diseases. Identifiers: MedGen C0950123, MeSH D030342.

Allele frequency attached by ClinVar (database versions not stated): gnomAD exomes 0.00001 and 0.00002; ExAC 0.00002; gnomAD 0.00005 and 0.00006; TOPMed 0.00005; ESP Exome Variant Server 0.00015.
gnomAD v4.1: 40 of 1,614,024 alleles (0.0025%); highest among the groups gnomAD compares: Admixed American, 0.01%; no homozygotes.

Submissions (5):

Labcorp Genetics (formerly Invitae), Labcorp
Classification: Likely benign for EAST syndrome. Last evaluated: 2025-10-01. Review status: criteria provided, single submitter. Criteria: Invitae Variant Classification Sherloc (09022015). Collection method: clinical testing. Allele origin: germline.

Blueprint Genetics
Classification: Likely benign. Last evaluated: 2022-04-20. Review status: criteria provided, single submitter. Criteria: ACMG Guidelines, 2015. Collection method: clinical testing. Allele origin: germline.

Ambry Genetics
Classification: Likely benign for Inborn genetic diseases. Last evaluated: 2018-09-29. Review status: criteria provided, single submitter. Criteria: Ambry Variant Classification Scheme 2023. Collection method: clinical testing. Allele origin: germline.

Illumina Laboratory Services, Illumina
Classification: Uncertain significance for EAST syndrome. Last evaluated: 2017-04-27. Review status: criteria provided, single submitter. Criteria: ICSL Variant Classification Criteria 13 December 2019. Collection method: clinical testing. Allele origin: germline.

Illumina Laboratory Services, Illumina
Classification: Likely benign for Autosomal recessive nonsyndromic hearing loss 4. Last evaluated: 2017-04-27. Review status: criteria provided, single submitter. Criteria: ICSL Variant Classification Criteria 13 December 2019. Collection method: clinical testing. Allele origin: germline.
Comment: This variant was observed as part of a predisposition screen in an ostensibly healthy population. A literature search was performed for the gene, cDNA change, and amino acid change (where applicable). No publications were found based on this search. Allele frequency data from public databases allowed determination this variant is unlikely to cause disease. Therefore, this variant is classified as likely benign.

NM_002241.5(KCNJ10):c.1047C>T (p.Tyr349=)

Gene: KCNJ10 (potassium inwardly rectifying channel subfamily J member 10; minus strand). Cytogenetic location: 1q23.2.
Variant type: single nucleotide variant.
Coding change: c.1047C>T on transcript NM_002241.5 (MANE Select); coding-DNA position 1047, C replaced by T.
Protein change: p.Tyr349=; no amino-acid change (tyrosine 349 retained).
Molecular consequence: synonymous variant.
Genome position (GRCh38, 1-based): chr1:160,041,486, G>A on the plus strand (C>T on the coding strand, the complement: KCNJ10 is on the minus strand). VCF-style: chr1-160041486-G-A. GRCh37 (hg19) VCF-style: chr1-160011276-G-A.
Identifiers: ClinVar variation 875494 (VCV000875494.16), dbSNP rs368537434, ClinGen allele CA1193169.
Genomic context (GRCh38, chr1:160,041,486, plus strand): 5'-GCCCTCCTTCTCAGCTTGCTCCCTTAATGACTCCTCCAACTTGAGCTTTTCAGGGTCTCC[G>A]TAGCGTACAGTGCTGTCACGGAGGCCACTAGGAGAGGCCACTTTCACAACTTGGTCAAAA-3'
Protein context (NP_002232.2, residues 339-359): PSGLRDSTVR[Tyr349=]GDPEKLKLEE